The following is an entry in ClinVar:

NM_020822.3(KCNT1):c.1036-170A>G

Gene: KCNT1 (potassium sodium-activated channel subfamily T member 1; plus strand). Cytogenetic location: 9q34.3.
Variant type: single nucleotide variant.
Coding change: c.1036-170A>G on transcript NM_020822.3 (MANE Select); 170 bases into the intron before coding-DNA position 1036, A replaced by G.
Molecular consequence: intron variant.
Genome position (GRCh38, 1-based): chr9:135,764,861, A>G. VCF-style: chr9-135764861-A-G. GRCh37 (hg19) VCF-style: chr9-138656707-A-G.
Other names: c.901-170A>G (NM_001272003.2).
Identifiers: ClinVar variation 682102 (VCV000682102.1), dbSNP rs55678700, ClinGen allele CA13003881.
Genomic context (GRCh38, chr9:135,764,861, plus strand): 5'-TGGTCCCCACACATCCTGCCAGCCGGGCCTGCGTCCTGCTCTGTGTCATCTGAGGCTATC[A>G]GCATCTACAGTTTCCATGTGGGAAAGGCCCCCCTAATGTAGGTGTCACCCCCCGGCCGGC-3'

ClinVar aggregate classification (germline): Benign (1 of 4 stars; one submission).

Allele frequency attached by ClinVar (database versions not stated): 1000 Genomes Project 30x 0.13226; 1000 Genomes Project 0.13498; gnomAD 0.16042 and 0.16109; TOPMed 0.16048.
gnomAD v4.1: 24,517 of 152,032 alleles (16%); highest among the groups gnomAD compares: Middle Eastern, 21%; 2,308 homozygotes.

Submission:

GeneDx
Classification: Benign. Last evaluated: 2018-06-14. Review status: criteria provided, single submitter. Criteria: GeneDx Variant Classification (06012015). Collection method: clinical testing. Allele origin: germline. Affected: yes.
Comment: This variant is considered likely benign or benign based on one or more of the following criteria: it is a conservative change, it occurs at a poorly conserved position in the protein, it is predicted to be benign by multiple in silico algorithms, and/or has population frequency not consistent with disease.